The following is an entry in ClinVar:

NM_001375524.1(TRRAP):c.5730+1G>C

Gene: TRRAP (transformation/transcription domain associated protein; plus strand). Cytogenetic location: 7q22.1.
Variant type: single nucleotide variant.
Coding change: c.5730+1G>C on transcript NM_001375524.1 (MANE Select); the canonical splice donor site of the intron after coding-DNA position 5730, G replaced by C.
Molecular consequence: splice donor variant.
Genome position (GRCh38, 1-based): chr7:98,953,434, G>C. VCF-style: chr7-98953434-G-C. GRCh37 (hg19) VCF-style: chr7-98551057-G-C.
Other names: c.5709+1G>C (NM_001244580.2); c.5655+1G>C (NM_003496.4).
Identifiers: ClinVar variation 2033164 (VCV002033164.4), dbSNP rs2484868239, ClinGen allele CA368321258.

ClinVar aggregate classification (germline): Uncertain significance (1 of 4 stars; one submission).

Submission:

Labcorp Genetics (formerly Invitae), Labcorp
Classification: Uncertain significance. Last evaluated: 2022-09-28. Review status: criteria provided, single submitter. Criteria: Invitae Variant Classification Sherloc (09022015). Collection method: clinical testing. Allele origin: germline.
Comment: In summary, the available evidence is currently insufficient to determine the role of this variant in disease. Therefore, it has been classified as a Variant of Uncertain Significance. Algorithms developed to predict the effect of sequence changes on RNA splicing suggest that this variant may disrupt the consensus splice site. This variant has not been reported in the literature in individuals affected with TRRAP-related conditions. This variant is not present in population databases (gnomAD no frequency). This sequence change affects a donor splice site in intron 38 of the TRRAP gene. It is expected to disrupt RNA splicing. Variants that disrupt the donor or acceptor splice site typically lead to a loss of protein function (PMID: 16199547), however the current clinical and genetic evidence is not sufficient to establish whether loss-of-function variants in TRRAP cause disease.

Literature cited by the submitters: PubMed 16199547.